The following is an entry in ClinVar:

ClinVar aggregate classification (germline): Benign/Likely benign. Review status: criteria provided, multiple submitters, no conflicts (2 of 4 stars). 6 submissions from 6 submitters: Benign (3); Likely benign (3). Last evaluated 2026-02-04.

Allele frequency attached by ClinVar (database versions not stated): 1000 Genomes Project 30x 0.02436; 1000 Genomes Project 0.02596; TOPMed 0.05305; gnomAD 0.05500 and 0.05636; gnomAD exomes 0.05679 and 0.07470; ESP Exome Variant Server 0.06020; ExAC 0.06267.
gnomAD v4.1: 116,972 of 1,613,360 alleles (7.3%); highest among the groups gnomAD compares: Non-Finnish European, 8.6%; 4,962 homozygotes.

Submissions (6):

Labcorp Genetics (formerly Invitae), Labcorp
Classification: Benign. Last evaluated: 2026-02-04. Review status: criteria provided, single submitter. Criteria: Invitae Variant Classification Sherloc (09022015). Collection method: clinical testing. Allele origin: germline.

Mayo Clinic Laboratories, Mayo Clinic
Classification: Likely benign. Last evaluated: 2025-02-18. Review status: criteria provided, single submitter. Criteria: ACMG Guidelines, 2015. Collection method: clinical testing. Allele origin: germline. Observed: 365 variant alleles.

Blueprint Genetics
Classification: Likely benign. Last evaluated: 2024-11-27. Review status: criteria provided, single submitter. Criteria: ACMG Guidelines, 2015. Collection method: clinical testing. Allele origin: germline.

GeneDx
Classification: Benign. Last evaluated: 2020-04-27. Review status: criteria provided, single submitter. Criteria: GeneDx Variant Classification Process June 2021. Collection method: clinical testing. Allele origin: germline. Affected: yes.
Comment: This variant is associated with the following publications: (PMID: 31731663)

Breakthrough Genomics
Classification: Likely benign. Review status: criteria provided, single submitter. Criteria: ACMG Guidelines, 2015. Collection method: not provided. Allele origin: germline. Inheritance: Autosomal recessive inheritance. Affected: yes.

PreventionGenetics, part of Exact Sciences
Classification: Benign. Review status: criteria provided, single submitter. Criteria: ACMG Guidelines, 2015. Collection method: clinical testing. Allele origin: germline.

Literature cited by the submitters: PubMed 22768050 (cited by Mayo Clinic Laboratories, Mayo Clinic); PubMed 31731663 (cited by Mayo Clinic Laboratories, Mayo Clinic).

NM_139027.6(ADAMTS13):c.354G>A (p.Pro118=)

Gene: ADAMTS13 (ADAM metallopeptidase with thrombospondin type 1 motif 13; plus strand). Cytogenetic location: 9q34.2.
Variant type: single nucleotide variant.
Coding change: c.354G>A on transcript NM_139027.6 (MANE Select); coding-DNA position 354, G replaced by A.
Protein change: p.Pro118=; no amino-acid change (proline 118 retained).
Molecular consequence: synonymous variant. On other transcripts: non-coding transcript variant (1).
Genome position (GRCh38, 1-based): chr9:133,425,552, G>A. VCF-style: chr9-133425552-G-A. GRCh37 (hg19) VCF-style: chr9-136290672-G-A.
Other names: p.Pro118=; c.354G>A, p.Pro118= (NM_139025.5, NM_139026.6); c.354G>A (NM_139025.3).
Identifiers: ClinVar variation 262446 (VCV000262446.18), dbSNP rs28571612, ClinGen allele CA10587025.
Genomic context (GRCh38, chr9:133,425,552, plus strand): 5'-ACCCGACGGGTTACCTCTCTCATCTGCCCTTGCACAGGGGGCAGAACTGCTTCGGGACCC[G>A]TCCCTGGGGGCTCAGTTTCGGGTGCACCTGGTGAAGATGGTCATTCTGACAGAGCCTGAG-3'
Protein context (NP_620596.2, residues 108-128): LNIGAELLRD[Pro118=]SLGAQFRVHL